The following is an entry in ClinVar:

NM_001999.4(FBN2):c.82G>T (p.Gly28Cys)

Gene: FBN2 (fibrillin 2; minus strand). Cytogenetic location: 5q23.3.
Variant type: single nucleotide variant.
Coding change: c.82G>T on transcript NM_001999.4 (MANE Select); coding-DNA position 82, G replaced by T.
Protein change: p.Gly28Cys; replaces glycine 28 with cysteine.
Molecular consequence: missense variant.
Genome position (GRCh38, 1-based): chr5:128,537,522, C>A on the plus strand (G>T on the coding strand, the complement: FBN2 is on the minus strand). VCF-style: chr5-128537522-C-A. GRCh37 (hg19) VCF-style: chr5-127873215-C-A.
Other names: short protein forms G28C.
Identifiers: ClinVar variation 1313234 (VCV001313234.11), dbSNP rs772841538, ClinGen allele CA3396233.
Genomic context (GRCh38, chr5:128,537,522, plus strand): 5'-GAACCTGTTGCGGCGGCGGCTGGGGCCGGGGCGGCTTGGGCGGAGGAGGCTGAGGCTGGC[C>A]GGCCGTGCCCTGCGCCCAGAGCACCACACAGCCCAGCCACAGGAAGTAGAGCTGGAGACA-3'
Protein context (NP_001990.2, residues 18-38): CVVLWAQGTA[Gly28Cys]QPQPPPPKPP

ClinVar aggregate classification (germline): Conflicting classifications of pathogenicity. Review status: criteria provided, conflicting classifications (1 of 4 stars). 3 submissions from 3 submitters: Uncertain significance (2); Benign (1). Last evaluated 2025-10-07.

Conditions:
Familial thoracic aortic aneurysm and aortic dissection (TAAD). Also called: Thoracic aortic aneurysms and dissections. Identifiers: Orphanet 91387, MedGen C4707243, MONDO:0019625.
Congenital contractural arachnodactyly (CCA). Also called: Arthrogryposis, distal, type 9; BEALS SYNDROME; Beals-Hecht syndrome. Identifiers: Orphanet 115, MedGen C0220668, MONDO:0007363, OMIM 121050.

Allele frequency attached by ClinVar (database versions not stated): gnomAD 0.00001 and 0.00002; ExAC 0.00002; gnomAD exomes 0.00002; TOPMed 0.00002.
gnomAD v4.1: 71 of 1,577,504 alleles (0.0045%); highest among the groups gnomAD compares: East Asian, 0.17%; no homozygotes.

Submissions (3):

Labcorp Genetics (formerly Invitae), Labcorp
Classification: Benign for Congenital contractural arachnodactyly. Last evaluated: 2025-10-07. Review status: criteria provided, single submitter. Criteria: Invitae Variant Classification Sherloc (09022015). Collection method: clinical testing. Allele origin: germline.

Ambry Genetics
Classification: Uncertain significance for Familial thoracic aortic aneurysm and aortic dissection. Last evaluated: 2021-12-15. Review status: criteria provided, single submitter. Criteria: Ambry Variant Classification Scheme 2023. Collection method: clinical testing. Allele origin: germline.
Comment: The p.G28C variant (also known as c.82G>T), located in coding exon 1 of the FBN2 gene, results from a G to T substitution at nucleotide position 82. The glycine at codon 28 is replaced by cysteine, an amino acid with highly dissimilar properties. This amino acid position is well conserved in available vertebrate species. In addition, the in silico prediction for this alteration is inconclusive. Since supporting evidence is limited at this time, the clinical significance of this alteration remains unclear.

GeneDx
Classification: Uncertain significance. Last evaluated: 2020-10-09. Review status: criteria provided, single submitter. Criteria: GeneDx Variant Classification Process June 2021. Collection method: clinical testing. Allele origin: germline. Affected: yes.
Comment: Has not been previously published as pathogenic or benign to our knowledge; Not observed at a significant frequency in large population cohorts (Lek et al., 2016); In silico analysis supports that this missense variant does not alter protein structure/function